The following is an entry in ClinVar:

NM_001387430.1(SH2B1):c.1726-9C>T

Gene: SH2B1 (SH2B adaptor protein 1; plus strand). Cytogenetic location: 16p11.2.
Variant type: single nucleotide variant.
Coding change: c.1726-9C>T on transcript NM_001387430.1 (MANE Select); 9 bases into the intron before coding-DNA position 1726, C replaced by T.
Molecular consequence: intron variant.
Genome position (GRCh38, 1-based): chr16:28,872,525, C>T. VCF-style: chr16-28872525-C-T. GRCh37 (hg19) VCF-style: chr16-28883846-C-T.
Other names: c.1726-9C>T (NM_001308293.2, NM_001387404.1, NM_015503.3 and 4 more transcripts); c.718-9C>T (NM_001308294.2).
Identifiers: ClinVar variation 3054161 (VCV003054161.3), dbSNP rs762229337, ClinGen allele CA7986286.
Genomic context (GRCh38, chr16:28,872,525, plus strand): 5'-GCCGGGGGAGGGGGTTTGTACCTGGCAGGGCCTTTGCCTCCTACCTCACCTCCCCCATCC[C>T]GCCCTCAGCACCTGCGTTTGTCGCTGAACGAGGAGGGTCAGTGCCGGGTCCAGCACCTGT-3'

ClinVar aggregate classification (germline): Likely benign. Review status: criteria provided, single submitter (1 of 4 stars). 2 submissions from 2 submitters: Likely benign (1). 1 of the submissions does not count toward it. Last evaluated 2025-06-30.

Conditions:
SH2B1-related disorder. Also called: SH2B1-related condition.

Allele frequency attached by ClinVar (database versions not stated): TOPMed 0.00002; ExAC 0.00003; gnomAD exomes 0.00003; gnomAD 0.00004.
gnomAD v4.1: 41 of 1,606,368 alleles (0.0026%); highest among the groups gnomAD compares: South Asian, 0.017%; 1 homozygote.

Submissions (2):

Labcorp Genetics (formerly Invitae), Labcorp
Classification: Likely benign. Last evaluated: 2025-06-30. Review status: criteria provided, single submitter. Criteria: Invitae Variant Classification Sherloc (09022015). Collection method: clinical testing. Allele origin: germline.

PreventionGenetics, part of Exact Sciences
Classification: Likely benign for SH2B1-related condition. Last evaluated: 2022-04-17. Review status: no assertion criteria provided. Collection method: clinical testing. Allele origin: germline. Not counted in ClinVar's aggregate classification.
Comment: This variant is classified as likely benign based on ACMG/AMP sequence variant interpretation guidelines (Richards et al. 2015 PMID: 25741868, with internal and published modifications).